The following is an entry in ClinVar:

ClinVar aggregate classification (germline): Uncertain significance (1 of 4 stars; one submission).

Submission:

GeneDx
Classification: Uncertain significance. Last evaluated: 2025-04-17. Review status: criteria provided, single submitter. Criteria: GeneDx Variant Classification Process June 2021. Collection method: clinical testing. Allele origin: germline. Affected: yes.
Comment: Not observed at significant frequency in large population cohorts (gnomAD); In silico analysis indicates that this missense variant does not alter protein structure/function; Has not been previously published as pathogenic or benign to our knowledge

NM_001134407.3(GRIN2A):c.364G>A (p.Val122Ile)

Gene: GRIN2A (glutamate ionotropic receptor NMDA type subunit 2A; minus strand). Cytogenetic location: 16p13.2.
Variant type: single nucleotide variant.
Coding change: c.364G>A on transcript NM_001134407.3 (MANE Select); coding-DNA position 364, G replaced by A.
Protein change: p.Val122Ile; replaces valine 122 with isoleucine.
Molecular consequence: missense variant.
Genome position (GRCh38, 1-based): chr16:10,180,048, C>T on the plus strand (G>A on the coding strand, the complement: GRIN2A is on the minus strand). VCF-style: chr16-10180048-C-T. GRCh37 (hg19) VCF-style: chr16-10273905-C-T.
Other names: c.364G>A, p.Val122Ile (NM_000833.5, NM_001134408.2); short protein forms V122I.
Identifiers: ClinVar variation 2505688 (VCV002505688.2), dbSNP rs376125239, ClinGen allele CA394715173.